The following is an entry in ClinVar:

NM_017534.6(MYH2):c.4007C>A (p.Ala1336Glu)

Genes: MYHAS (myosin heavy chain gene cluster antisense RNA; plus strand), MYH2 (myosin heavy chain 2; minus strand). Cytogenetic location: 17p13.1.
Variant type: single nucleotide variant.
Coding change: c.4007C>A on transcript NM_017534.6 (MANE Select); coding-DNA position 4007, C replaced by A.
Protein change: p.Ala1336Glu; replaces alanine 1336 with glutamic acid.
Molecular consequence: missense variant.
Genome position (GRCh38, 1-based): chr17:10,526,779, G>T on the plus strand (C>A on the coding strand, the complement: MYH2 is on the minus strand). VCF-style: chr17-10526779-G-T. GRCh37 (hg19) VCF-style: chr17-10430096-G-T.
Other names: c.4007C>A, p.Ala1336Glu (NM_001100112.2); short protein forms A1336E.
Identifiers: ClinVar variation 771636 (VCV000771636.12), dbSNP rs138470281, ClinGen allele CA8390747.

ClinVar aggregate classification (germline): Benign. Review status: criteria provided, single submitter (1 of 4 stars). 2 submissions from 2 submitters: Benign (1). 1 of the submissions does not count toward it. Last evaluated 2025-08-13.

Conditions:
MYH2-related disorder. Also called: MYH2-related condition.
Myopathy, proximal, and ophthalmoplegia (CMYO6). Also called: INCLUSION BODY MYOPATHY 3, AUTOSOMAL DOMINANT; CONGENITAL MYOPATHY 6 WITH OPHTHALMOPLEGIA; MYOPATHY WITH CONGENITAL JOINT CONTRACTURES, OPHTHALMOPLEGIA, AND RIMMED VACUOLES. Identifiers: Orphanet 363677, Orphanet 79091, MedGen C1854106, MONDO:0011577, OMIM 605637.

Allele frequency attached by ClinVar (database versions not stated): TOPMed 0.00005; ESP Exome Variant Server 0.00008; 1000 Genomes Project 30x 0.00016; 1000 Genomes Project 0.00020.
gnomAD v4.1: 352 of 1,614,216 alleles (0.022%); highest among the groups gnomAD compares: South Asian, 0.33%; 4 homozygotes.

Submissions (2):

Labcorp Genetics (formerly Invitae), Labcorp
Classification: Benign for Myopathy, proximal, and ophthalmoplegia. Last evaluated: 2025-08-13. Review status: criteria provided, single submitter. Criteria: Invitae Variant Classification Sherloc (09022015). Collection method: clinical testing. Allele origin: germline.

PreventionGenetics, part of Exact Sciences
Classification: Likely benign for MYH2-related condition. Last evaluated: 2024-01-29. Review status: no assertion criteria provided. Collection method: clinical testing. Allele origin: germline. Not counted in ClinVar's aggregate classification.
Comment: This variant is classified as likely benign based on ACMG/AMP sequence variant interpretation guidelines (Richards et al. 2015 PMID: 25741868, with internal and published modifications).